The following is an entry in ClinVar:

NM_001036.6(RYR3):c.10743C>G (p.Ser3581=)

Gene: RYR3 (ryanodine receptor 3; plus strand). Cytogenetic location: 15q14.
Variant type: single nucleotide variant.
Coding change: c.10743C>G on transcript NM_001036.6 (MANE Select); coding-DNA position 10743, C replaced by G.
Protein change: p.Ser3581=; no amino-acid change (serine 3581 retained).
Molecular consequence: synonymous variant.
Genome position (GRCh38, 1-based): chr15:33,819,792, C>G. VCF-style: chr15-33819792-C-G. GRCh37 (hg19) VCF-style: chr15-34111993-C-G.
Other names: c.10728C>G, p.Ser3576= (NM_001243996.4).
Identifiers: ClinVar variation 715074 (VCV000715074.32), dbSNP rs778205832, ClinGen allele CA7460954.

ClinVar aggregate classification (germline): Likely benign. Review status: criteria provided, multiple submitters, no conflicts (2 of 4 stars). 2 submissions from 2 submitters: Likely benign (2). Last evaluated 2023-12-01.

Conditions:
Epileptic encephalopathy. Identifiers: MedGen C0543888, HP:0200134.

Allele frequency attached by ClinVar (database versions not stated): ExAC 0.00008; gnomAD 0.00008 and 0.00009; gnomAD exomes 0.00007; TOPMed 0.00007.
gnomAD v4.1: 134 of 1,587,996 alleles (0.0084%); highest among the groups gnomAD compares: Non-Finnish European, 0.0076%; no homozygotes.

Submissions (2):

CeGaT Center for Human Genetics Tuebingen
Classification: Likely benign. Last evaluated: 2023-12-01. Review status: criteria provided, single submitter. Criteria: CeGaT Center For Human Genetics Tuebingen Variant Classification Criteria Version 2. Collection method: clinical testing. Allele origin: germline. Affected: yes. Observed: 1 variant allele.
Comment: RYR3: BP4, BP7

Labcorp Genetics (formerly Invitae), Labcorp
Classification: Likely benign for Epileptic encephalopathy. Last evaluated: 2022-08-16. Review status: criteria provided, single submitter. Criteria: Invitae Variant Classification Sherloc (09022015). Collection method: clinical testing. Allele origin: germline.